The following is an entry in ClinVar:

NM_001205293.3(CACNA1E):c.1023T>C (p.Phe341=)

Gene: CACNA1E (calcium voltage-gated channel subunit alpha1 E; plus strand). Cytogenetic location: 1q25.3.
Variant type: single nucleotide variant.
Coding change: c.1023T>C on transcript NM_001205293.3 (MANE Select); coding-DNA position 1023, T replaced by C.
Protein change: p.Phe341=; no amino-acid change (phenylalanine 341 retained).
Molecular consequence: synonymous variant.
Genome position (GRCh38, 1-based): chr1:181,651,409, T>C. VCF-style: chr1-181651409-T-C. GRCh37 (hg19) VCF-style: chr1-181620545-T-C.
Other names: p.Phe341=; c.1023T>C, p.Phe341= (NM_000721.4, NM_001205294.2).
Identifiers: ClinVar variation 1167748 (VCV001167748.38), dbSNP rs200603172, ClinGen allele CA1275015.
Genomic context (GRCh38, chr1:181,651,409, plus strand): 5'-CTTAGGAGCCACCTGGAATTGGCTGTACTTCATCCCCCTCATCATCATTGGATCCTTCTT[T>C]GTTCTCAACCTAGTCCTGGGAGTGCTTTCCGGGTGAGCCAGATGTTTCTCTCTTCTTAAC-3'
Protein context (NP_001192222.1, residues 331-351): FIPLIIIGSF[Phe341=]VLNLVLGVLS

ClinVar aggregate classification (germline): Benign/Likely benign. Review status: criteria provided, multiple submitters, no conflicts (2 of 4 stars). 6 submissions from 6 submitters: Benign (4); Likely benign (2). Last evaluated 2026-09-01.

Conditions:
Developmental and epileptic encephalopathy, 69. Also called: EPILEPTIC ENCEPHALOPATHY, EARLY INFANTILE, 69. Identifiers: MedGen C4748988, MONDO:0032657, OMIM 618285.

Allele frequency attached by ClinVar (database versions not stated): gnomAD 0.00219 and 0.00235; gnomAD exomes 0.00233 and 0.00208; 1000 Genomes Project 30x 0.00031; 1000 Genomes Project 0.00040; TOPMed 0.00108; ESP Exome Variant Server 0.00148; ExAC 0.00198.
gnomAD v4.1: 3,347 of 1,613,850 alleles (0.21%); highest among the groups gnomAD compares: Non-Finnish European, 0.19%; 16 homozygotes.

Submissions (6):

CeGaT Center for Human Genetics Tuebingen
Classification: Likely benign. Last evaluated: 2026-09-01. Review status: criteria provided, single submitter. Criteria: CeGaT Center For Human Genetics Tuebingen Variant Classification Criteria Version 2. Collection method: clinical testing. Allele origin: germline. Affected: yes. Observed: 9 variant alleles.
Comment: CACNA1E: BP4, BP7, BS1

Labcorp Genetics (formerly Invitae), Labcorp
Classification: Benign. Last evaluated: 2026-01-24. Review status: criteria provided, single submitter. Criteria: Invitae Variant Classification Sherloc (09022015). Collection method: clinical testing. Allele origin: germline.

ARUP Laboratories, Molecular Genetics and Genomics, ARUP Laboratories
Classification: Benign for Developmental and epileptic encephalopathy, 69. Last evaluated: 2025-04-10. Review status: criteria provided, single submitter. Criteria: ARUP Molecular Germline Variant Investigation Process 2024. Collection method: clinical testing. Allele origin: germline.

Mayo Clinic Laboratories, Mayo Clinic
Classification: Benign. Last evaluated: 2024-04-29. Review status: criteria provided, single submitter. Criteria: ACMG Guidelines, 2015. Collection method: clinical testing. Allele origin: germline. Observed: 1 variant allele.
Comment: BS1, BS2, BP4, BP7

Genome-Nilou Lab
Classification: Benign for Developmental and epileptic encephalopathy, 69. Last evaluated: 2023-04-11. Review status: criteria provided, single submitter. Criteria: ACMG Guidelines, 2015. Collection method: clinical testing. Allele origin: germline. Affected: no.

GeneDx
Classification: Likely benign. Last evaluated: 2021-05-04. Review status: criteria provided, single submitter. Criteria: GeneDx Variant Classification Process June 2021. Collection method: clinical testing. Allele origin: germline. Affected: yes.